The following is an entry in ClinVar:

NC_000009.12:g.(?_6594994)_(6620339_?)del

Genes: GLDC (glycine decarboxylase; minus strand), LOC130001537 (ATAC-STARR-seq lymphoblastoid active region 28187; plus strand). Cytogenetic location: 9p24.1.
Variant type: Deletion.
Identifiers: ClinVar variation 3245154 (VCV003245154.1).

ClinVar aggregate classification (germline): Pathogenic (1 of 4 stars; one submission).

Conditions:
Glycine encephalopathy. Also called: Nonketotic hyperglycinemia; Non-ketotic hyperglycinemia. Identifiers: Orphanet 407, MedGen C0751748, MONDO:0011612, HP:0008288.

Submission:

Labcorp Genetics (formerly Invitae), Labcorp
Classification: Pathogenic for Glycine encephalopathy. Last evaluated: 2023-09-06. Review status: criteria provided, single submitter. Criteria: Invitae Variant Classification Sherloc (09022015). Collection method: clinical testing. Allele origin: unknown.
Comment: For these reasons, this variant has been classified as Pathogenic. This variant disrupts the p.Ala389 amino acid residue in GLDC. Other variant(s) that disrupt this residue have been determined to be pathogenic (PMID: 15824356, 16450403, 26179960, 26749113, 27362913). This suggests that this residue is clinically significant, and that variants that disrupt this residue are likely to be disease-causing. A similar copy number variant has been observed in individual(s) with glycine encephalopathy (PMID: 17361008). This variant is a gross deletion of the genomic region encompassing exon(s) 3-9 of the GLDC gene. This variant would be expected to be in-frame, preserving the integrity of the reading frame.

Literature cited by the submitters: PubMed 15824356; PubMed 16450403; PubMed 26179960; PubMed 26749113; PubMed 27362913; PubMed 17361008.